The following is an entry in ClinVar:

NM_000095.3(COMP):c.241G>C (p.Gly81Arg)

Gene: COMP (cartilage oligomeric matrix protein; minus strand). Cytogenetic location: 19p13.11.
Variant type: single nucleotide variant.
Coding change: c.241G>C on transcript NM_000095.3 (MANE Select); coding-DNA position 241, G replaced by C.
Protein change: p.Gly81Arg; replaces glycine 81 with arginine.
Molecular consequence: missense variant.
Genome position (GRCh38, 1-based): chr19:18,790,091, C>G on the plus strand (G>C on the coding strand, the complement: COMP is on the minus strand). VCF-style: chr19-18790091-C-G. GRCh37 (hg19) VCF-style: chr19-18900900-C-G.
Other names: short protein forms G81R.
Identifiers: ClinVar variation 3618074 (VCV003618074.2).
Genomic context (GRCh38, chr19:18,790,091, plus strand): 5'-CCACGCCGGGGAAGCAGAAGCCGGGCGCGCAGTGGAGCAGGGGCCGCACGCTGGGTAGGC[C>G]GGTGCGTACTGACTGCTGCATCCCTGCGGGGGGGAGGGGGGAGAAGCGGCGGGGCTGATC-3'
Protein context (NP_000086.2, residues 71-91): ACGMQQSVRT[Gly81Arg]LPSVRPLLHC

ClinVar aggregate classification (germline): Uncertain significance (1 of 4 stars; one submission).

gnomAD v4.1: 16 of 1,539,292 alleles (0.001%); highest among the groups gnomAD compares: South Asian, 0.011%; no homozygotes.

Submission:

Labcorp Genetics (formerly Invitae), Labcorp
Classification: Uncertain significance. Last evaluated: 2025-01-23. Review status: criteria provided, single submitter. Criteria: Invitae Variant Classification Sherloc (09022015). Collection method: clinical testing. Allele origin: germline.
Comment: This sequence change replaces glycine, which is neutral and non-polar, with arginine, which is basic and polar, at codon 81 of the COMP protein (p.Gly81Arg). This variant is present in population databases (no rsID available, gnomAD 0.009%). This variant has not been reported in the literature in individuals affected with COMP-related conditions. Invitae Evidence Modeling of protein sequence and biophysical properties (such as structural, functional, and spatial information, amino acid conservation, physicochemical variation, residue mobility, and thermodynamic stability) has been performed for this missense variant. However, the output from this modeling did not meet the statistical confidence thresholds required to predict the impact of this variant on COMP protein function. In summary, the available evidence is currently insufficient to determine the role of this variant in disease. Therefore, it has been classified as a Variant of Uncertain Significance.